The following is an entry in ClinVar:

ClinVar aggregate classification (germline): Benign/Likely benign. Review status: criteria provided, multiple submitters, no conflicts (2 of 4 stars). 3 submissions from 3 submitters: Benign (1); Likely benign (1). 1 of the submissions does not count toward it. Last evaluated 2025-12-22.

Conditions:
Focal segmental glomerulosclerosis 3, susceptibility to (FSGS3). Identifiers: Orphanet 656, MedGen C1842982, MONDO:0011917, OMIM 607832.
CD2AP-related disorder. Also called: CD2AP-related condition.

Allele frequency attached by ClinVar (database versions not stated): ExAC 0.00049; gnomAD exomes 0.00049 and 0.00096; gnomAD 0.00061 and 0.00113; ESP Exome Variant Server 0.00115; TOPMed 0.00130.
gnomAD v4.1: 1,533 of 1,607,488 alleles (0.095%); highest among the groups gnomAD compares: Non-Finnish European, 0.12%; 3 homozygotes.

Submissions (3):

Labcorp Genetics (formerly Invitae), Labcorp
Classification: Likely benign. Last evaluated: 2025-12-22. Review status: criteria provided, single submitter. Criteria: Invitae Variant Classification Sherloc (09022015). Collection method: clinical testing. Allele origin: germline.

Illumina Laboratory Services, Illumina
Classification: Benign for Focal segmental glomerulosclerosis 3, susceptibility to. Last evaluated: 2018-01-12. Review status: criteria provided, single submitter. Criteria: ICSL Variant Classification Criteria 13 December 2019. Collection method: clinical testing. Allele origin: germline.
Comment: This variant was observed in the ICSL laboratory as part of a predisposition screen in an ostensibly healthy population. It had not been previously curated by ICSL or reported in the Human Gene Mutation Database (HGMD: prior to June 1st, 2018), and was therefore a candidate for classification through an automated scoring system. Utilizing variant allele frequency, disease prevalence and penetrance estimates, and inheritance mode, an automated score was calculated to assess if this variant is too frequent to cause the disease. Based on the score and internal cut-off values, a variant classified as benign is not then subjected to further curation. The score for this variant resulted in a classification of benign for this disease.

PreventionGenetics, part of Exact Sciences
Classification: Likely benign for CD2AP-related condition. Last evaluated: 2020-01-16. Review status: no assertion criteria provided. Collection method: clinical testing. Allele origin: germline. Not counted in ClinVar's aggregate classification.
Comment: This variant is classified as likely benign based on ACMG/AMP sequence variant interpretation guidelines (Richards et al. 2015 PMID: 25741868, with internal and published modifications).

NM_012120.3(CD2AP):c.1014A>G (p.Pro338=)

Gene: CD2AP (CD2 associated protein; plus strand). Cytogenetic location: 6p12.3.
Variant type: single nucleotide variant.
Coding change: c.1014A>G on transcript NM_012120.3 (MANE Select); coding-DNA position 1014, A replaced by G.
Protein change: p.Pro338=; no amino-acid change (proline 338 retained).
Molecular consequence: synonymous variant.
Genome position (GRCh38, 1-based): chr6:47,580,869, A>G. VCF-style: chr6-47580869-A-G. GRCh37 (hg19) VCF-style: chr6-47548605-A-G.
Identifiers: ClinVar variation 726649 (VCV000726649.14), dbSNP rs150304098, ClinGen allele CA3844187.